The following is an entry in ClinVar:

NM_053025.4(MYLK):c.4333C>T (p.Pro1445Ser)

Gene: MYLK (myosin light chain kinase; minus strand). Cytogenetic location: 3q21.1.
Variant type: single nucleotide variant.
Coding change: c.4333C>T on transcript NM_053025.4 (MANE Select); coding-DNA position 4333, C replaced by T.
Protein change: p.Pro1445Ser; replaces proline 1445 with serine.
Molecular consequence: missense variant.
Genome position (GRCh38, 1-based): chr3:123,649,053, G>A on the plus strand (C>T on the coding strand, the complement: MYLK is on the minus strand). VCF-style: chr3-123649053-G-A. GRCh37 (hg19) VCF-style: chr3-123367900-G-A.
Other names: c.3805C>T, p.Pro1269Ser (NM_001321309.2); c.4126C>T, p.Pro1376Ser (NM_053026.4, NM_053028.4); c.4333C>T, p.Pro1445Ser (NM_053027.4); short protein forms P1269S, P1376S, P1445S.
Identifiers: ClinVar variation 1176786 (VCV001176786.40), dbSNP rs2108198278, ClinGen allele CA354227593.

ClinVar aggregate classification (germline): Uncertain significance. Review status: criteria provided, multiple submitters, no conflicts (2 of 4 stars). 2 submissions from 2 submitters: Uncertain significance (2). Last evaluated 2023-02-20.

Conditions:
Aortic aneurysm, familial thoracic 7 (AAT7). Also called: AORTIC DISSECTION, FAMILIAL, WITH OR WITHOUT AORTIC ANEURYSM. Identifiers: MedGen C3151077, MONDO:0013418, OMIM 613780.

gnomAD v4.1: 1 of 1,614,152 alleles (0.000062%); highest among the groups gnomAD compares: Non-Finnish European, 0.000085%; no homozygotes.

Submissions (2):

Labcorp Genetics (formerly Invitae), Labcorp
Classification: Uncertain significance for Aortic aneurysm, familial thoracic 7. Last evaluated: 2023-02-20. Review status: criteria provided, single submitter. Criteria: Invitae Variant Classification Sherloc (09022015). Collection method: clinical testing. Allele origin: germline.
Comment: In summary, the available evidence is currently insufficient to determine the role of this variant in disease. Therefore, it has been classified as a Variant of Uncertain Significance. Advanced modeling of protein sequence and biophysical properties (such as structural, functional, and spatial information, amino acid conservation, physicochemical variation, residue mobility, and thermodynamic stability) performed at Invitae indicates that this missense variant is not expected to disrupt MYLK protein function. ClinVar contains an entry for this variant (Variation ID: 1176786). This variant has not been reported in the literature in individuals affected with MYLK-related conditions. This variant is not present in population databases (gnomAD no frequency). This sequence change replaces proline, which is neutral and non-polar, with serine, which is neutral and polar, at codon 1445 of the MYLK protein (p.Pro1445Ser).

CeGaT Center for Human Genetics Tuebingen
Classification: Uncertain significance. Last evaluated: 2021-03-01. Review status: criteria provided, single submitter. Criteria: CeGaT Center For Human Genetics Tuebingen Variant Classification Criteria Version 2. Collection method: clinical testing. Allele origin: germline. Affected: yes. Observed: 1 variant allele.